The following is an entry in ClinVar:

ClinVar aggregate classification (germline): Uncertain significance (1 of 4 stars; one submission).

Conditions:
Inborn genetic diseases. Identifiers: MedGen C0950123, MeSH D030342.

gnomAD v4.1: 3 of 1,613,870 alleles (0.00019%); highest among the groups gnomAD compares: Non-Finnish European, 0.00025%; no homozygotes.

Submission:

Ambry Genetics
Classification: Uncertain significance for Inborn genetic diseases. Last evaluated: 2025-09-17. Review status: criteria provided, single submitter. Criteria: Ambry Variant Classification Scheme 2023. Collection method: clinical testing. Allele origin: germline.
Comment: The p.S883G variant (also known as c.2647A>G), located in coding exon 11 of the MECOM gene, results from an A to G substitution at nucleotide position 2647. The serine at codon 883 is replaced by glycine, an amino acid with similar properties. This amino acid position is conserved. In addition, this alteration is predicted to be tolerated by in silico analysis. Based on the available evidence, the clinical significance of this variant remains unclear.

NM_004991.4(MECOM):c.2647A>G (p.Ser883Gly)

Gene: MECOM (MDS1 and EVI1 complex locus; minus strand). Cytogenetic location: 3q26.2.
Variant type: single nucleotide variant.
Coding change: c.2647A>G on transcript NM_004991.4 (MANE Select); coding-DNA position 2647, A replaced by G.
Protein change: p.Ser883Gly; replaces serine 883 with glycine.
Molecular consequence: missense variant.
Genome position (GRCh38, 1-based): chr3:169,102,184, T>C on the plus strand (A>G on the coding strand, the complement: MECOM is on the minus strand). VCF-style: chr3-169102184-T-C. GRCh37 (hg19) VCF-style: chr3-168819972-T-C.
Other names: c.2278A>G, p.Ser760Gly (NM_001105077.4); c.2083A>G, p.Ser695Gly (NM_001105078.4, NM_001205194.2, NM_001366469.2 and 1 more transcripts); c.2059A>G, p.Ser687Gly (NM_001163999.2, NM_001366470.2); c.2056A>G, p.Ser686Gly (NM_001164000.2, NM_001366471.2, NM_001366472.2); c.2620A>G, p.Ser874Gly (NM_001366466.2); c.2086A>G, p.Ser696Gly (NM_001366467.2, NM_001366468.2); c.1648A>G, p.Ser550Gly (NM_001366473.2); c.1084A>G, p.Ser362Gly (NM_001366474.2); short protein forms S695G, S760G, S883G, S362G, S696G, S874G, S550G, S686G.
Identifiers: ClinVar variation 4624586 (VCV004624586.1).